The following is an entry in ClinVar:

ClinVar aggregate classification (germline): Uncertain significance. Review status: reviewed by expert panel (3 of 4 stars). 3 submissions from 3 submitters: Uncertain significance (1). 2 of the submissions do not count toward it. Last evaluated 2023-04-25.

Conditions:
Mitochondrial disease. Also called: Mitochondrial disorders; Mitochondrial disorder. Identifiers: Orphanet 68380, MedGen C0751651, MeSH D028361, MONDO:0044970.
Leigh syndrome (NULS). Also called: Leigh's necrotizing encephalopathy; Leigh's syndrome; Leigh Disease; Leigh's disease; Leigh Syndrome (mtDNA deletion); LEIGH SYNDROME, NUCLEAR. Identifiers: Orphanet 506, MedGen C2931891, MONDO:0009723, OMIM 256000.

Submissions (3):

ClinGen Mitochondrial Disease Nuclear and Mitochondrial  Variant Curation Expert Panel, ClinGen
Classification: Uncertain significance for Mitochondrial disease. Last evaluated: 2023-04-25. Review status: reviewed by expert panel. Criteria: clingen mito disease acmg specifications v1-1. Collection method: curation. Allele origin: germline. Inheritance: Mitochondrial inheritance.
Comment: The m.10644G>A (p.V59M) variant in MT-ND4L was reviewed by the Mitochondrial Disease Nuclear and Mitochondrial Variant Curation Expert Panel on April 25, 2023. There are no individuals or families with primary mitochondrial disease with this variant reported in the medical literature to our knowledge. This variant is present in population databases and is seen in individuals from several different haplogroups (MITOMAP: 0.013%, 8/61,883; gnomAD v3.1.2: 0.025%, 114/56,428 homoplasmic occurrences, one heteroplasmic occurrence; Helix: 0.029%, 56/195,893 homoplasmic occurrences). The computational predictor APOGEE gives a consensus rating of neutral with a score of 0.3 (Min=0, Max=1), which predicts a neutral effect on protein function (BP4). There are no cybrids, single fiber studies, or other functional assays reported for this variant. In summary, this variant meets criteria to be classified as uncertain significance for primary mitochondrial disease inherited in a mitochondrial manner. This classification was approved by the NICHD/NINDS U24 ClinGen Mitochondrial Disease Variant Curation Expert Panel on April 25, 2023. Mitochondrial DNA-specific ACMG/AMP criteria applied (PMID: 32906214): BP4.

Wong Mito Lab, Molecular and Human Genetics, Baylor College of Medicine
Classification: Likely benign for Leigh syndrome. Last evaluated: 2019-10-17. Review status: criteria provided, single submitter. Criteria: Modified ACMG Guidelines (Unpublished). Collection method: clinical testing. Allele origin: germline. Not counted in ClinVar's aggregate classification.
Comment: The NC_012920.1:m.10644G>A (YP_003024034.1:p.Val59Met) variant in MTND4L gene is interpretated to be a Likely Benign variant based on the modified ACMG guidelines (unpublished). This variant meets the following evidence codes: BS1, BP4

ARUP Laboratories, Molecular Genetics and Genomics, ARUP Laboratories
Classification: Uncertain significance. Last evaluated: 2018-05-18. Review status: criteria provided, single submitter. Criteria: ARUP Molecular Germline Variant Investigation Process. Collection method: clinical testing. Allele origin: germline. Not counted in ClinVar's aggregate classification.
Comment: The m.10644G>A variant affects the sequence of the MT-ND4L gene (c.175G>A; p.Val59Met), and has not been associated with disease in published literature. This variant is rare in the MITOMAP population database with an overall frequency of 0.01%. Based on the available information, the clinical significance of this variant cannot be determined with certainty.

NC_012920.1(MT-ND4L):m.10644G>A

Gene: MT-ND4L (mitochondrially encoded NADH dehydrogenase 4L; plus strand).
Variant type: single nucleotide variant.
Genome position: chrM-10644-G-A.
Identifiers: ClinVar variation 618217 (VCV000618217.10), dbSNP rs1569484385, ClinGen allele CA414806210.
Genomic context (GRCh38, chrMT:10,644, plus strand): 5'-TCGCTGTTCATTATAGCTACTCTCATAACCCTCAACACCCACTCCCTCTTAGCCAATATT[G>A]TGCCTATTGCCATACTAGTCTTTGCCGCCTGCGAAGCAGCGGTGGGCCTAGCCCTACTAG-3'